The following is an entry in ClinVar:

NM_000298.6(PKLR):c.283+109C>T

Gene: PKLR (pyruvate kinase L/R; minus strand). Cytogenetic location: 1q22.
Variant type: single nucleotide variant.
Coding change: c.283+109C>T on transcript NM_000298.6 (MANE Select); 109 bases into the intron after coding-DNA position 283, C replaced by T.
Molecular consequence: intron variant.
Genome position (GRCh38, 1-based): chr1:155,299,989, G>A on the plus strand (C>T on the coding strand, the complement: PKLR is on the minus strand). VCF-style: chr1-155299989-G-A. GRCh37 (hg19) VCF-style: chr1-155269780-G-A.
Other names: c.190+109C>T (NM_181871.4).
Identifiers: ClinVar variation 1275328 (VCV001275328.2), dbSNP rs8177964, ClinGen allele CA30908907.

ClinVar aggregate classification (germline): Benign. Review status: criteria provided, multiple submitters, no conflicts (2 of 4 stars). 2 submissions from 2 submitters: Benign (2). Last evaluated 2020-02-18.

Allele frequency attached by ClinVar (database versions not stated): gnomAD 0.03572 and 0.03828; 1000 Genomes Project 30x 0.03826; 1000 Genomes Project 0.03914; TOPMed 0.04005.
gnomAD v4.1: 9,428 of 1,199,868 alleles (0.79%); highest among the groups gnomAD compares: African/African-American, 12%; 527 homozygotes.

Submissions (2):

GeneDx
Classification: Benign. Last evaluated: 2020-02-18. Review status: criteria provided, single submitter. Criteria: GeneDx Variant Classification Process June 2021. Collection method: clinical testing. Allele origin: germline. Affected: yes.
Comment: This variant is associated with the following publications: (PMID: 30948487)

Breakthrough Genomics
Classification: Benign. Review status: criteria provided, single submitter. Criteria: ACMG Guidelines, 2015. Collection method: not provided. Allele origin: germline. Inheritance: Autosomal recessive inheritance. Affected: yes.